The following is an entry in ClinVar:

ClinVar aggregate classification (germline): Uncertain significance (1 of 4 stars; one submission).

Conditions:
Giant axonal neuropathy 1 (GAN1). Also called: GIANT AXONAL NEUROPATHY 1, AUTOSOMAL RECESSIVE; GAN-Related Neurodegeneration. Identifiers: Orphanet 643, MedGen C1850386, MONDO:0009749, OMIM 256850.

Allele frequency attached by ClinVar (database versions not stated): TOPMed 0.00001.

Submission:

Labcorp Genetics (formerly Invitae), Labcorp
Classification: Uncertain significance for Giant axonal neuropathy 1. Last evaluated: 2021-08-31. Review status: criteria provided, single submitter. Criteria: Invitae Variant Classification Sherloc (09022015). Collection method: clinical testing. Allele origin: germline.
Comment: This sequence change replaces tyrosine with phenylalanine at codon 471 of the GAN protein (p.Tyr471Phe). The tyrosine residue is highly conserved and there is a small physicochemical difference between tyrosine and phenylalanine. This variant is not present in population databases (ExAC no frequency). This variant has not been reported in the literature in individuals affected with GAN-related conditions. Algorithms developed to predict the effect of missense changes on protein structure and function are either unavailable or do not agree on the potential impact of this missense change (SIFT: "Deleterious"; PolyPhen-2: "Possibly Damaging"; Align-GVGD: "Class C0"). In summary, the available evidence is currently insufficient to determine the role of this variant in disease. Therefore, it has been classified as a Variant of Uncertain Significance.

NM_022041.4(GAN):c.1412A>T (p.Tyr471Phe)

Gene: GAN (gigaxonin; plus strand). Cytogenetic location: 16q23.2.
Variant type: single nucleotide variant.
Coding change: c.1412A>T on transcript NM_022041.4 (MANE Select); coding-DNA position 1412, A replaced by T.
Protein change: p.Tyr471Phe; replaces tyrosine 471 with phenylalanine.
Molecular consequence: missense variant.
Genome position (GRCh38, 1-based): chr16:81,365,388, A>T. VCF-style: chr16-81365388-A-T. GRCh37 (hg19) VCF-style: chr16-81398993-A-T.
Other names: c.773A>T, p.Tyr258Phe (NM_001377486.1); short protein forms Y258F, Y471F.
Identifiers: ClinVar variation 1039304 (VCV001039304.6), dbSNP rs769076379, ClinGen allele CA396891332.
Genomic context (GRCh38, chr16:81,365,388, plus strand): 5'-AACGCTGTGTGTGGCCTTTCAGGTTTGGAGCGGTGGCCTGTGGAGTTGCTATGGAGCTGT[A>T]TGTGTTTGGGGGAGTCCGAAGTCGTGAGGACGCCCAGGGTAGCGAGATGGTAACTTGCAA-3'
Protein context (NP_071324.1, residues 461-481): AVACGVAMEL[Tyr471Phe]VFGGVRSRED